The following is an entry in ClinVar:

ClinVar aggregate classification (germline): Uncertain significance (1 of 4 stars; one submission).

Conditions:
ASH1L-related disorder. Also called: ASH1L-related condition.

Allele frequency attached by ClinVar (database versions not stated): gnomAD exomes below 0.00001; ExAC 0.00001; ESP Exome Variant Server 0.00008.
gnomAD v4.1: 3 of 1,613,268 alleles (0.00019%); highest among the groups gnomAD compares: Non-Finnish European, 0.00025%; no homozygotes.

Submission:

PreventionGenetics, part of Exact Sciences
Classification: Uncertain significance for ASH1L-related condition. Last evaluated: 2023-05-04. Review status: criteria provided, single submitter. Criteria: ACMG Guidelines, 2015. Collection method: clinical testing. Allele origin: germline.
Comment: The ASH1L c.5643G>C variant is predicted to result in the amino acid substitution p.Glu1881Asp. To our knowledge, this variant has not been reported in the literature. This variant is reported in 0.00088% of alleles in individuals of European (Non-Finnish) descent in gnomAD. At this time, the clinical significance of this variant is uncertain due to the absence of conclusive functional and genetic evidence.

NM_018489.3(ASH1L):c.5643G>C (p.Glu1881Asp)

Gene: ASH1L (ASH1 like histone lysine methyltransferase; minus strand). Cytogenetic location: 1q22.
Variant type: single nucleotide variant.
Coding change: c.5643G>C on transcript NM_018489.3 (MANE Select); coding-DNA position 5643, G replaced by C.
Protein change: p.Glu1881Asp; replaces glutamic acid 1881 with aspartic acid.
Molecular consequence: missense variant.
Genome position (GRCh38, 1-based): chr1:155,438,512, C>G on the plus strand (G>C on the coding strand, the complement: ASH1L is on the minus strand). VCF-style: chr1-155438512-C-G. GRCh37 (hg19) VCF-style: chr1-155408303-C-G.
Other names: c.5643G>C, p.Glu1881Asp (NM_001366177.2); short protein forms E1881D.
Identifiers: ClinVar variation 2629975 (VCV002629975.1), dbSNP rs371710202, ClinGen allele CA1146720.